The following is an entry in ClinVar:

ClinVar aggregate classification (germline): Likely pathogenic (1 of 4 stars; one submission).

Conditions:
Renal coloboma syndrome (PAPRS). Also called: PAPILLORENAL SYNDROME; COLOBOMA OF OPTIC NERVE WITH RENAL DISEASE; OPTIC COLOBOMA, VESICOURETERAL REFLUX, AND RENAL ANOMALIES; OPTIC NERVE COLOBOMA WITH RENAL DISEASE; RENAL-COLOBOMA SYNDROME WITH MACULAR ABNORMALITIES; CONGENITAL ANOMALIES OF THE KIDNEY AND URINARY TRACT WITH OR WITHOUT OCULAR ABNORMALITIES. Identifiers: Orphanet 1475, MedGen C1852759, MONDO:0007352, OMIM 120330.

Submission:

MVZ Medizinische Genetik Mainz
Classification: Likely pathogenic for Renal coloboma syndrome. Last evaluated: 2023-11-03. Review status: criteria provided, single submitter. Criteria: UK Practice Guidelines For Variant Classification V4 01 2020. Collection method: clinical testing. Allele origin: germline. Inheritance: Autosomal dominant inheritance. Affected: yes. Observed: 1 variant allele.
Comment: ACMG Criteria: PVS1,PM2_SUP

NM_000278.5(PAX2):c.311_317dup (p.Asn106fs)

Gene: PAX2 (paired box 2; plus strand). Cytogenetic location: 10q24.31.
Variant type: Duplication.
Coding change: c.311_317dup on transcript NM_000278.5 (MANE Select); coding-DNA positions 311 to 317, 7 bases duplicated (GACAGAA; older notation c.311_317dupGACAGAA).
Protein change: p.Asn106fs; shifts the reading frame from asparagine 106.
Molecular consequence: frameshift variant.
Genome position (GRCh38, 1-based): chr10:100,750,792-100,750,798, GACAGAA duplicated. VCF-style (leftmost placement, unchanged base first): chr10-100750791-C-CGACAGAA. GRCh37 (hg19) VCF-style: chr10-102510548-C-CGACAGAA.
Other names: c.404_410dup, p.Asn137fs (NM_001304569.2); c.311_317dup, p.Asn106fs (NM_003987.5, NM_003988.5, NM_003989.5 and 1 more transcripts); short protein forms N106fs, N137fs.
Identifiers: ClinVar variation 3236769 (VCV003236769.1), dbSNP rs2492899586.